The following is an entry in ClinVar:

NM_000257.4(MYH7):c.400T>C (p.Tyr134His)

Gene: MYH7 (myosin heavy chain 7; minus strand). Cytogenetic location: 14q11.2.
Variant type: single nucleotide variant.
Coding change: c.400T>C on transcript NM_000257.4 (MANE Select); coding-DNA position 400, T replaced by C.
Protein change: p.Tyr134His; replaces tyrosine 134 with histidine.
Molecular consequence: missense variant.
Genome position (GRCh38, 1-based): chr14:23,432,741, A>G on the plus strand (T>C on the coding strand, the complement: MYH7 is on the minus strand). VCF-style: chr14-23432741-A-G. GRCh37 (hg19) VCF-style: chr14-23901950-A-G.
Other names: c.400T>C, p.Tyr134His (NM_001407004.1); short protein forms Y134H.
Identifiers: ClinVar variation 3776078 (VCV003776078.4).
Genomic context (GRCh38, chr14:23,432,741, plus strand): 5'-TGTGGGGCGGGGCCTCGCTCCTCTTCTTGCCCCGGTAGGCAGCCACCACCTCAGGAGTGT[A>G]CACCGGCAGCCACTTGTAAGGGTTGACGGTGACACAGAAGAGGCCCGAGTAGGTCTGGGG-3'
Protein context (NP_000248.2, residues 124-144): TVNPYKWLPV[Tyr134His]TPEVVAAYRG

ClinVar aggregate classification (germline): Uncertain significance. Review status: criteria provided, multiple submitters, no conflicts (2 of 4 stars). 2 submissions from 2 submitters: Uncertain significance (2). Last evaluated 2025-05-14.

Conditions:
Hypertrophic cardiomyopathy. Also called: HYPERTROPHIC MYOCARDIOPATHY. Identifiers: Orphanet 217569, MedGen C0007194, MeSH D002312, MONDO:0005045, HP:0001639.
Hypertrophic cardiomyopathy 1 (CMH1). Also called: Familial hypertrophic cardiomyopathy 1; MYH7-Related Familial Hypertrophic Cardiomyopathy. Identifiers: MedGen C3495498, MONDO:0008647, OMIM 192600.

Submissions (2):

Labcorp Genetics (formerly Invitae), Labcorp
Classification: Uncertain significance for Hypertrophic cardiomyopathy. Last evaluated: 2025-05-14. Review status: criteria provided, single submitter. Criteria: Invitae Variant Classification Sherloc (09022015). Collection method: clinical testing. Allele origin: germline.
Comment: This sequence change replaces tyrosine, which is neutral and polar, with histidine, which is basic and polar, at codon 134 of the MYH7 protein (p.Tyr134His). This variant is not present in population databases (gnomAD no frequency). This missense change has been observed in individual(s) with hypertrophic cardiomyopathy (PMID: 32492895, 39237976). ClinVar contains an entry for this variant (Variation ID: 3776078). Invitae Evidence Modeling of protein sequence and biophysical properties (such as structural, functional, and spatial information, amino acid conservation, physicochemical variation, residue mobility, and thermodynamic stability) indicates that this missense variant is expected to disrupt MYH7 protein function with a positive predictive value of 95%. In summary, the available evidence is currently insufficient to determine the role of this variant in disease. Therefore, it has been classified as a Variant of Uncertain Significance.

3billion
Classification: Uncertain significance for Hypertrophic cardiomyopathy 1. Last evaluated: 2024-08-29. Review status: criteria provided, single submitter. Criteria: ACMG Guidelines, 2015. Collection method: clinical testing. Allele origin: germline. Affected: yes.
Comment: The variant is not observed in the gnomAD v4.0.0 dataset. Predicted Consequence/Location: Missense variant In silico tool predictions suggest damaging effect of the variant on gene or gene product [REVEL: 0.89 (>=0.6, sensitivity 0.68 and specificity 0.92); 3Cnet: 0.95 (>=0.6, sensitivity 0.72 and precision 0.9)]. The variant has been observed in at least two similarly affected unrelated individuals (PMID: 32492895 /3billion dataset). Therefore, this variant is classified as VUS according to the recommendation of ACMG/AMP guideline.

Literature cited by the submitters: PubMed 32492895 (cited by Labcorp Genetics (formerly Invitae), Labcorp and 3billion); PubMed 39237976 (cited by Labcorp Genetics (formerly Invitae), Labcorp).